The following is an entry in ClinVar:

Conditions:
Arteriohepatic dysplasia. Also called: Alagille Syndrome. Identifiers: Orphanet 52, MedGen C0085280, MeSH D016738, MONDO:0007318.

Submission:

Gilbert/Spinner Lab, Children's Hospital of Philadelphia
No classification provided (evidence only). Condition: Alagille syndrome. Review status: no classification provided. Collection method: research. Allele origin: not applicable. Functional consequence: functionally_abnormal.
ClinVar note: "not provided" was previously submitted as the classification for the variant. However, the classification appeared to be based only on an observation of functional data so it was converted to no classification on 2025-07-30.

NM_000214.3(JAG1):c.158A>G (p.Asn53Ser)

Gene: JAG1 (jagged canonical Notch ligand 1; minus strand). Cytogenetic location: 20p12.2.
Variant type: single nucleotide variant.
Coding change: c.158A>G on transcript NM_000214.3 (MANE Select); coding-DNA position 158, A replaced by G.
Protein change: p.Asn53Ser; replaces asparagine 53 with serine.
Molecular consequence: missense variant.
Genome position (GRCh38, 1-based): chr20:10,672,930, T>C on the plus strand (A>G on the coding strand, the complement: JAG1 is on the minus strand). VCF-style: chr20-10672930-T-C. GRCh37 (hg19) VCF-style: chr20-10653578-T-C.
Other names: short protein forms N53S.
Identifiers: ClinVar variation 3573253 (VCV003573253.2).
Genomic context (GRCh38, chr20:10,672,930, plus strand): 5'-GTGTCACACTCGTCGCGGGTGCACTTGCGGTCTCCCGGGTTCCGGGCGCCGCCGCAGCAG[T>C]TCCCGTTCTGCAGCTCCCCGTTCACGTTCTGCATGGACAGGATCTCCAACTCGAACTGAC-3'
Protein context (NP_000205.1, residues 43-63): QNVNGELQNG[Asn53Ser]CCGGARNPGD